The following is an entry in ClinVar:

NM_006031.6(PCNT):c.5767C>T (p.Arg1923Ter)

Gene: PCNT (pericentrin; plus strand). Cytogenetic location: 21q22.3.
Variant type: single nucleotide variant.
Coding change: c.5767C>T on transcript NM_006031.6 (MANE Select); coding-DNA position 5767, C replaced by T.
Protein change: p.Arg1923Ter; replaces arginine 1923 with a stop codon.
Molecular consequence: nonsense.
Genome position (GRCh38, 1-based): chr21:46,411,840, C>T. VCF-style: chr21-46411840-C-T. GRCh37 (hg19) VCF-style: chr21-47831754-C-T.
Other names: c.5413C>T, p.Arg1805Ter (NM_001315529.2); short protein forms R1923*, R1805*.
Identifiers: ClinVar variation 4706 (VCV000004706.15), dbSNP rs119479062, ClinGen allele CA250510.

ClinVar aggregate classification (germline): Pathogenic/Likely pathogenic. Review status: criteria provided, multiple submitters, no conflicts (2 of 4 stars). 7 submissions from 7 submitters: Pathogenic (5); Likely pathogenic (1). 1 of the submissions does not count toward it. Last evaluated 2024-11-25.

Conditions:
PCNT-related disorder. Also called: PCNT-related condition.
Microcephalic osteodysplastic primordial dwarfism type II (MOPD2). Also called: Microcephalic osteodysplastic primordial dwarfism with tooth abnormalities; MOPD II; OSTEODYSPLASTIC PRIMORDIAL DWARFISM, TYPE II. Identifiers: Orphanet 2637, MedGen C0432246, MONDO:0008872, OMIM 210720.

Allele frequency attached by ClinVar (database versions not stated): gnomAD 0.00001; gnomAD exomes 0.00001 and 0.00002; TOPMed 0.00002; ExAC 0.00003.
gnomAD v4.1: 28 of 1,560,784 alleles (0.0018%); highest among the groups gnomAD compares: Non-Finnish European, 0.0022%; no homozygotes.

Submissions (7):

PreventionGenetics, part of Exact Sciences
Classification: Pathogenic for PCNT-related condition. Last evaluated: 2024-11-25. Review status: criteria provided, single submitter. Criteria: ACMG Guidelines, 2015. Collection method: clinical testing. Allele origin: germline.
Comment: The PCNT c.5767C>T variant is predicted to result in premature protein termination (p.Arg1923*). This variant has been reported in the homozygous and compound heterozygous states in patients with microcephalic osteodysplastic primordial dwarfism type 2 (Table S2, Rauch et al. 2008. PubMed ID: 18174396; Kantaputra et al. 2011. PubMed ID: 21567919; Table S1, Shaheen et al. 2018. PubMed ID: 30214071). This variant is reported in 0.0029% of alleles in individuals of European (Non-Finnish) descent in gnomAD. Nonsense variants in PCNT are expected to be pathogenic. This variant is interpreted as pathogenic.

Genomic Medicine Center of Excellence, King Faisal Specialist Hospital and Research Centre
Classification: Pathogenic for Microcephalic osteodysplastic primordial dwarfism type II. Last evaluated: 2024-09-22. Review status: criteria provided, single submitter. Criteria: ACMG Guidelines, 2015. Collection method: clinical testing. Allele origin: germline.

Labcorp Genetics (formerly Invitae), Labcorp
Classification: Pathogenic. Last evaluated: 2024-03-30. Review status: criteria provided, single submitter. Criteria: Invitae Variant Classification Sherloc (09022015). Collection method: clinical testing. Allele origin: germline.
Comment: This sequence change creates a premature translational stop signal (p.Arg1923*) in the PCNT gene. It is expected to result in an absent or disrupted protein product. Loss-of-function variants in PCNT are known to be pathogenic (PMID: 18174396, 22821869). This variant is present in population databases (rs119479062, gnomAD 0.002%). This premature translational stop signal has been observed in individual(s) with PCNT-related conditions (PMID: 18174396, 30214071). ClinVar contains an entry for this variant (Variation ID: 4706). For these reasons, this variant has been classified as Pathogenic.

Baylor Genetics
Classification: Pathogenic for Microcephalic osteodysplastic primordial dwarfism type II. Last evaluated: 2020-02-12. Review status: criteria provided, single submitter. Criteria: ACMG Guidelines, 2015. Collection method: clinical testing. Allele origin: unknown. Affected: yes.
Comment: This variant was determined to be pathogenic according to ACMG Guidelines, 2015 [PMID:25741868].

Genetic Services Laboratory, University of Chicago
Classification: Pathogenic for Microcephalic osteodysplastic primordial dwarfism, type II. Last evaluated: 2013-03-05. Review status: criteria provided, single submitter. Criteria: ACMG Guidelines, 2007. Collection method: clinical testing. Allele origin: germline. Inheritance: Autosomal recessive inheritance. Affected: yes.

Pathology and Clinical Laboratory Medicine, King Fahad Medical City
Classification: Likely pathogenic for Microcephalic osteodysplastic primordial dwarfism type II. Review status: criteria provided, single submitter. Criteria: ACMG Guidelines, 2015. Collection method: clinical testing. Allele origin: germline. Affected: yes. Observed: 1 variant allele.

OMIM
Classification: Pathogenic for MICROCEPHALIC OSTEODYSPLASTIC PRIMORDIAL DWARFISM, TYPE II. Last evaluated: 2008-02-08. Review status: no assertion criteria provided. Collection method: literature only. Allele origin: germline. Not counted in ClinVar's aggregate classification.

Literature cited by the submitters: PubMed 18174396 (cited by Labcorp Genetics (formerly Invitae), Labcorp and OMIM); PubMed 22821869 (cited by Labcorp Genetics (formerly Invitae), Labcorp); PubMed 30214071 (cited by Labcorp Genetics (formerly Invitae), Labcorp); PubMed 12210304 (cited by OMIM); PubMed 15372530 (cited by OMIM).